The following is an entry in ClinVar:

NM_001845.6(COL4A1):c.2411dup (p.Gly805fs)

Gene: COL4A1 (collagen type IV alpha 1 chain; minus strand). Cytogenetic location: 13q34.
Variant type: Duplication.
Coding change: c.2411dup on transcript NM_001845.6 (MANE Select); coding-DNA position 2411, one base duplicated (C; older notation c.2411dupC).
Protein change: p.Gly805fs; shifts the reading frame from glycine 805.
Molecular consequence: frameshift variant.
Genome position (GRCh38, 1-based): chr13:110,178,970, G duplicated on the plus strand (C on the coding strand, the reverse complement: COL4A1 is on the minus strand); the first of 6 consecutive G bases (chr13:110,178,970-110,178,975); duplicating any one gives the same sequence. VCF-style (leftmost placement, unchanged base first): chr13-110178969-A-AG. GRCh37 (hg19) VCF-style: chr13-110831316-A-AG.
Other names: short protein forms G805fs.
Identifiers: ClinVar variation 2584470 (VCV002584470.1), dbSNP rs2139165126, ClinGen allele CA2582341734.

ClinVar aggregate classification (germline): Likely pathogenic (1 of 4 stars; one submission).

Conditions:
COL4A1-related disorder. Also called: COL4A1-related disorders; COL4A1-related condition. Identifiers: MedGen CN376119, MONDO:0800461.

Submission:

Rady Children's Institute for Genomic Medicine, Rady Children's Hospital San Diego
Classification: Likely pathogenic for COL4A1-related disorders. Review status: criteria provided, single submitter. Criteria: ACMG Guidelines, 2015. Collection method: clinical testing. Allele origin: germline. Affected: yes.
Comment: This nonsense variant found in exon 31 of 52 is predicted to result in loss of normal protein function through either protein truncation or nonsense-mediated mRNA decay (NMD). This variant has not been previously reported or functionally characterized in the literature to our knowledge. It is absent from the gnomAD population database and thus is presumed to be rare. Based on the available evidence, the c.2411dup (p.Gly805TrpfsTer3) variant is classified as Likely Pathogenic.